The following is an entry in ClinVar:

ClinVar aggregate classification (germline): Uncertain significance (1 of 4 stars; one submission).

Allele frequency attached by ClinVar (database versions not stated): TOPMed below 0.00001; gnomAD 0.00001.
gnomAD v4.1: 1 of 1,601,788 alleles (0.000062%); highest among the groups gnomAD compares: Admixed American, 0.0017%; no homozygotes.

Submission:

Labcorp Genetics (formerly Invitae), Labcorp
Classification: Uncertain significance. Last evaluated: 2022-08-19. Review status: criteria provided, single submitter. Criteria: Invitae Variant Classification Sherloc (09022015). Collection method: clinical testing. Allele origin: germline.
Comment: This sequence change replaces proline, which is neutral and non-polar, with leucine, which is neutral and non-polar, at codon 1883 of the DOCK6 protein (p.Pro1883Leu). This variant is not present in population databases (gnomAD no frequency). This variant has not been reported in the literature in individuals affected with DOCK6-related conditions. Algorithms developed to predict the effect of missense changes on protein structure and function are either unavailable or do not agree on the potential impact of this missense change (SIFT: "Deleterious"; PolyPhen-2: "Probably Damaging"; Align-GVGD: "Class C0"). Algorithms developed to predict the effect of sequence changes on RNA splicing suggest that this variant may disrupt the consensus splice site. In summary, the available evidence is currently insufficient to determine the role of this variant in disease. Therefore, it has been classified as a Variant of Uncertain Significance.

NM_020812.4(DOCK6):c.5648C>T (p.Pro1883Leu)

Gene: DOCK6 (dedicator of cytokinesis 6; minus strand). Cytogenetic location: 19p13.2.
Variant type: single nucleotide variant.
Coding change: c.5648C>T on transcript NM_020812.4 (MANE Select); coding-DNA position 5648, C replaced by T.
Protein change: p.Pro1883Leu; replaces proline 1883 with leucine.
Molecular consequence: missense variant.
Genome position (GRCh38, 1-based): chr19:11,201,929, G>A on the plus strand (C>T on the coding strand, the complement: DOCK6 is on the minus strand). VCF-style: chr19-11201929-G-A. GRCh37 (hg19) VCF-style: chr19-11312605-G-A.
Other names: c.5753C>T, p.Pro1918Leu (NM_001367830.1); short protein forms P1883L, P1918L.
Identifiers: ClinVar variation 1716980 (VCV001716980.5), dbSNP rs2079175445, ClinGen allele CA404073524.
Genomic context (GRCh38, chr19:11,201,929, plus strand): 5'-GGCCCAGGATCCCCACCCACCTCCTCCCGGTGGCACACACGGATGCGAGTCTTGATGTAG[G>A]GGAAGGCGTGGTCGGTGCTGAGCAGCGTCTTACGCTTGTGTTGCTCGGGCAGCTCCCCGT-3'
Protein context (NP_065863.2, residues 1873-1893): KTLLSTDHAF[Pro1883Leu]YIKTRIRVCH